The following is an entry in ClinVar:

ClinVar aggregate classification (germline): Likely benign (0 of 4 stars; one submission).

Conditions:
EPPK1-related disorder. Also called: EPPK1-related condition.

Allele frequency attached by ClinVar (database versions not stated): ExAC 0.02251.

Submission:

PreventionGenetics, part of Exact Sciences
Classification: Likely benign for EPPK1-related condition. Last evaluated: 2022-02-03. Review status: no assertion criteria provided. Collection method: clinical testing. Allele origin: germline.
Comment: This variant is classified as likely benign based on ACMG/AMP sequence variant interpretation guidelines (Richards et al. 2015 PMID: 25741868, with internal and published modifications).

NM_031308.4(EPPK1):c.6624A>G (p.Gln2208=)

Gene: EPPK1 (epiplakin 1; minus strand). Cytogenetic location: 8q24.3.
Variant type: single nucleotide variant.
Coding change: c.6624A>G on transcript NM_031308.4 (MANE Select); coding-DNA position 6624, A replaced by G.
Protein change: p.Gln2208=; no amino-acid change (glutamine 2208 retained).
Molecular consequence: synonymous variant.
Genome position (GRCh38, 1-based): chr8:143,866,630, T>C on the plus strand (A>G on the coding strand, the complement: EPPK1 is on the minus strand). VCF-style: chr8-143866630-T-C. GRCh37 (hg19) VCF-style: chr8-144940798-T-C.
Identifiers: ClinVar variation 3035155 (VCV003035155.2), dbSNP rs1554659086, ClinGen allele CA4921642.